The following is an entry in ClinVar:

NM_005502.4(ABCA1):c.6410A>G (p.Asp2137Gly)

Genes: ABCA1 (ATP binding cassette subfamily A member 1; minus strand), NIPSNAP3B (nipsnap homolog 3B; plus strand). Cytogenetic location: 9q31.1.
Variant type: single nucleotide variant.
Coding change: c.6410A>G on transcript NM_005502.4 (MANE Select); coding-DNA position 6410, A replaced by G.
Protein change: p.Asp2137Gly; replaces aspartic acid 2137 with glycine.
Molecular consequence: missense variant.
Genome position (GRCh38, 1-based): chr9:104,785,631, T>C on the plus strand (A>G on the coding strand, the complement: ABCA1 is on the minus strand). VCF-style: chr9-104785631-T-C. GRCh37 (hg19) VCF-style: chr9-107547912-T-C.
Other names: short protein forms D2137G.
Identifiers: ClinVar variation 4827613 (VCV004827613.1).
Genomic context (GRCh38, chr9:104,785,631, plus strand): 5'-TCCTGGACAGGCTTCAGGTCCGGGTTGGACCCTGCTATTCGTACAACTATTGTATAACCA[T>C]CTCCAAACCTGAAAGCAGGAAAAAATACCCAAATGGAGGATCTCCAGAAAACTATTTAAA-3'
Protein context (NP_005493.2, residues 2127-2147): SVQHLKNRFG[Asp2137Gly]GYTIVVRIAG

ClinVar aggregate classification (germline): Uncertain significance (1 of 4 stars; one submission).

Conditions:
Cardiovascular phenotype. Identifiers: MedGen CN230736.

gnomAD v4.1: 8 of 1,613,758 alleles (0.0005%); highest among the groups gnomAD compares: Non-Finnish European, 0.00068%; no homozygotes.

Submission:

Ambry Genetics
Classification: Uncertain significance for Cardiovascular phenotype. Last evaluated: 2026-03-01. Review status: criteria provided, single submitter. Criteria: Ambry Variant Classification Scheme 2023. Collection method: clinical testing. Allele origin: germline.
Comment: The p.D2137G variant (also known as c.6410A>G), located in coding exon 48 of the ABCA1 gene, results from an A to G substitution at nucleotide position 6410. The aspartic acid at codon 2137 is replaced by glycine, an amino acid with similar properties. This amino acid position is conserved. In addition, this alteration is predicted to be deleterious by in silico analysis. Based on the available evidence, the clinical significance of this variant remains unclear.